The following is an entry in ClinVar:

NM_006846.4(SPINK5):c.3008dup (p.Tyr1004fs)

Gene: SPINK5 (serine peptidase inhibitor Kazal type 5; plus strand). Cytogenetic location: 5q32.
Variant type: Duplication.
Coding change: c.3008dup on transcript NM_006846.4 (MANE Select); coding-DNA position 3008, one base duplicated (G; older notation c.3008dupG).
Protein change: p.Tyr1004fs; shifts the reading frame from tyrosine 1004.
Molecular consequence: frameshift variant.
Genome position (GRCh38, 1-based): chr5:148,131,302, G duplicated; the last of 2 consecutive G bases (chr5:148,131,301-148,131,302); duplicating either gives the same sequence. VCF-style (leftmost placement, unchanged base first): chr5-148131300-A-AG. GRCh37 (hg19) VCF-style: chr5-147510863-A-AG.
Other names: c.3098dupG (NM_001127698.2); c.3098dup, p.Tyr1034fs (NM_001127698.2); short protein forms Y1004fs, Y1034fs.
Identifiers: ClinVar variation 4687412 (VCV004687412.1).
Genomic context (GRCh38, chr5:148,131,300, plus strand): 5'-TTATTTTTTGCTTCTTCAGGATTCTGAGATGTGCAAAGACTACCGAGTATTGCCCAGGAT[A>AG]GGTTATCTTTGTCCAAAGGATTTAAAGCCTGTCTGTGGTGACGATGGCCAAACCTACAAC-3'

ClinVar aggregate classification (germline): Pathogenic (1 of 4 stars; one submission).

Conditions:
Ichthyosis linearis circumflexa. Identifiers: MedGen C0265962, MONDO:0043106, HP:0025810.

Submission:

Women's Health and Genetics/Laboratory Corporation of America, LabCorp
Classification: Pathogenic for Ichthyosis linearis circumflexa. Last evaluated: 2025-10-09. Review status: criteria provided, single submitter. Criteria: LabCorp Variant Classification Summary - May 2015. Collection method: clinical testing. Allele origin: germline.
Comment: Variant summary: SPINK5 c.3098dupG (p.Tyr1034LeufsX13) results in a premature termination codon, predicted to cause a truncation of the encoded protein or absence of the protein due to nonsense mediated decay, which are commonly known mechanisms for disease. The variant was absent in 249552 control chromosomes. To our knowledge, no occurrence of c.3098dupG in individuals affected with SPINK5-related conditions and no experimental evidence demonstrating its impact on protein function have been reported. No submitters have cited clinical-significance assessments for this variant to ClinVar. Based on the evidence outlined above, the variant was classified as pathogenic.